The following is an entry in ClinVar:

ClinVar aggregate classification (germline): Uncertain significance (1 of 4 stars; one submission).

Submission:

Labcorp Genetics (formerly Invitae), Labcorp
Classification: Uncertain significance. Last evaluated: 2025-05-15. Review status: criteria provided, single submitter. Criteria: Invitae Variant Classification Sherloc (09022015). Collection method: clinical testing. Allele origin: germline.
Comment: This sequence change replaces cysteine, which is neutral and slightly polar, with arginine, which is basic and polar, at codon 333 of the FH protein (p.Cys333Arg). Information on the frequency of this variant in the gnomAD database is not available, as this variant may be reported differently in the database. This missense change has been observed in individual(s) with clinical features of FH tumor predisposition syndrome (internal data). It has also been observed to segregate with disease in related individuals. Experimental studies and prediction algorithms are not available or were not evaluated, and the functional significance of this variant is currently unknown. This variant disrupts the p.Cys333 amino acid residue in FH. Other variant(s) that disrupt this residue have been determined to be pathogenic (PMID: 17768033, 21398687; internal data). This suggests that this residue is clinically significant, and that variants that disrupt this residue are likely to be disease-causing. In summary, the available evidence is currently insufficient to determine the role of this variant in disease. Therefore, it has been classified as a Variant of Uncertain Significance.

Literature cited by the submitters: PubMed 17768033; PubMed 21398687.

NM_000143.4(FH):c.996_997delinsGC (p.Cys333Arg)

Gene: FH (fumarate hydratase; minus strand). Cytogenetic location: 1q43.
Variant type: Indel.
Coding change: c.996_997delinsGC on transcript NM_000143.4 (MANE Select); coding-DNA positions 996 to 997, CT replaced by GC.
Protein change: p.Cys333Arg; replaces cysteine 333 with arginine.
Molecular consequence: missense variant.
Genome position (GRCh38, 1-based): chr1:241,504,153-241,504,154, AG replaced by GC on the plus strand (CT replaced by GC on the coding strand, the reverse complement: FH is on the minus strand). VCF-style: chr1-241504153-AG-GC. GRCh37 (hg19) VCF-style: chr1-241667453-AG-GC.
Other names: short protein forms C333R.
Identifiers: ClinVar variation 4712897 (VCV004712897.1).